The following is an entry in ClinVar:

ClinVar aggregate classification (germline): Conflicting classifications of pathogenicity. Review status: criteria provided, conflicting classifications (1 of 4 stars). 8 submissions from 8 submitters: Uncertain significance (5); Likely benign (2). 1 of the submissions does not count toward it. Last evaluated 2025-12-29.

Conditions:
Colorectal cancer. Also called: Colorectal cancer, somatic; Malignant Colorectal Neoplasm. Identifiers: MedGen C0346629, MONDO:0005575, OMIM 114500.
Hereditary cancer-predisposing syndrome. Also called: Tumor predisposition; Hereditary Cancer Syndrome; Neoplastic Syndromes, Hereditary; Hereditary neoplastic syndrome. Identifiers: Orphanet 140162, MedGen C0027672, MeSH D009386, MONDO:0015356.
POLD1-related polyposis and colorectal cancer syndrome (CRCS10). Also called: Colorectal cancer 10; COLORECTAL CANCER, SUSCEPTIBILITY TO, ON CHROMOSOME 19q; Colorectal cancer, susceptibility to, 10. Identifiers: Orphanet 220460, MedGen C2675481, MONDO:0012953, OMIM 612591.

Allele frequency attached by ClinVar (database versions not stated): TOPMed 0.00005; gnomAD 0.00006.

Submissions (8):

Center for Genomic Medicine, Rigshospitalet, Copenhagen University Hospital
Classification: Uncertain significance. Last evaluated: 2025-12-29. Review status: criteria provided, single submitter. Criteria: ACMG Guidelines, 2015. Collection method: clinical testing. Allele origin: germline.

Labcorp Genetics (formerly Invitae), Labcorp
Classification: Uncertain significance for POLD1-related polyposis and colorectal cancer syndrome. Last evaluated: 2025-01-11. Review status: criteria provided, single submitter. Criteria: Invitae Variant Classification Sherloc (09022015). Collection method: clinical testing. Allele origin: germline.
Comment: This sequence change replaces arginine, which is basic and polar, with glutamine, which is neutral and polar, at codon 6 of the POLD1 protein (p.Arg6Gln). This variant is present in population databases (rs778275831, gnomAD 0.009%). This missense change has been observed in individual(s) with unspecified cancer (PMID: 34326862). ClinVar contains an entry for this variant (Variation ID: 226047). An algorithm developed to predict the effect of missense changes on protein structure and function outputs the following: PolyPhen-2: "Not Available". The glutamine amino acid residue is found in multiple mammalian species, which suggests that this missense change does not adversely affect protein function. In summary, the available evidence is currently insufficient to determine the role of this variant in disease. Therefore, it has been classified as a Variant of Uncertain Significance.

Women's Health and Genetics/Laboratory Corporation of America, LabCorp
Classification: Likely benign. Last evaluated: 2024-12-02. Review status: criteria provided, single submitter. Criteria: LabCorp Variant Classification Summary - May 2015. Collection method: clinical testing. Allele origin: germline.
Comment: Variant summary: POLD1 c.17G>A (p.Arg6Gln) results in a conservative amino acid change in the encoded protein sequence. Five of five in-silico tools predict a benign effect of the variant on protein function. The variant allele was found at a frequency of 4.2e-05 in 237474 control chromosomes. The observed variant frequency is approximately 3 fold of the estimated maximal expected allele frequency for a pathogenic variant in POLD1 causing Colorectal Cancer phenotype (1.4e-05). c.17G>A has been reported in the literature in at least one individual affected with an unspecified type of cancer (Bhai_2021). These report(s) do not provide unequivocal conclusions about association of the variant with Colorectal Cancer. To our knowledge, no experimental evidence demonstrating an impact on protein function has been reported. The following publication has been ascertained in the context of this evaluation (PMID: 34326862). ClinVar contains an entry for this variant (Variation ID: 226047). Based on the evidence outlined above, the variant was classified as likely benign.

Ambry Genetics
Classification: Likely benign for Hereditary cancer-predisposing syndrome. Last evaluated: 2024-10-04. Review status: criteria provided, single submitter. Criteria: Ambry Variant Classification Scheme 2023. Collection method: clinical testing. Allele origin: germline.

GeneDx
Classification: Uncertain significance. Last evaluated: 2023-06-04. Review status: criteria provided, single submitter. Criteria: GeneDx Variant Classification Process June 2021. Collection method: clinical testing. Allele origin: germline. Affected: yes.
Comment: In silico analysis supports that this missense variant does not alter protein structure/function; Has not been previously published as pathogenic or benign to our knowledge

Quest Diagnostics Nichols Institute San Juan Capistrano
Classification: Uncertain significance. Last evaluated: 2018-12-13. Review status: criteria provided, single submitter. Criteria: Quest Diagnostics criteria. Collection method: clinical testing. Allele origin: germline.

CSER _CC_NCGL, University of Washington
Classification: Uncertain significance for Colorectal cancer. Last evaluated: 2015-03-11. Review status: criteria provided, single submitter. Criteria: Amendola et al. (Genome Res. 2015). Collection method: research. Allele origin: germline. Inheritance: Autosomal dominant inheritance. Study: CSER - NEXT Medicine variant annotation.

Counsyl
Classification: Uncertain significance for POLD1-related polyposis and colorectal cancer syndrome. Last evaluated: 2016-07-31. Review status: no assertion criteria provided. Collection method: clinical testing. Allele origin: unknown. Not counted in ClinVar's aggregate classification.

Literature cited by the submitters: PubMed 34326862 (cited by Labcorp Genetics (formerly Invitae), Labcorp and Women's Health and Genetics/Laboratory Corporation of America, LabCorp).

NM_002691.4(POLD1):c.17G>A (p.Arg6Gln)

Gene: POLD1 (DNA polymerase delta 1, catalytic subunit; plus strand). Cytogenetic location: 19q13.33.
Variant type: single nucleotide variant.
Coding change: c.17G>A on transcript NM_002691.4 (MANE Select); coding-DNA position 17, G replaced by A.
Protein change: p.Arg6Gln; replaces arginine 6 with glutamine.
Molecular consequence: missense variant. On other transcripts: non-coding transcript variant (1).
Genome position (GRCh38, 1-based): chr19:50,398,868, G>A. VCF-style: chr19-50398868-G-A. GRCh37 (hg19) VCF-style: chr19-50902125-G-A.
Other names: XM_005259006.1:c.17G>A; XM_005259007.1:c.17G>A; XM_005259008.1:c.17G>A; c.17G>A, p.Arg6Gln (NM_001256849.1, NM_001308632.1); short protein forms R6Q.
Identifiers: ClinVar variation 226047 (VCV000226047.30), dbSNP rs778275831, ClinGen allele CA9595583.